The following is an entry in ClinVar:

ClinVar aggregate classification (germline): Uncertain significance (1 of 4 stars; one submission).

Conditions:
Familial thoracic aortic aneurysm and aortic dissection (TAAD). Also called: Thoracic aortic aneurysms and dissections. Identifiers: Orphanet 91387, MedGen C4707243, MONDO:0019625.

Allele frequency attached by ClinVar (database versions not stated): gnomAD exomes below 0.00001; ExAC 0.00001; gnomAD 0.00001.
gnomAD v4.1: 2 of 1,611,702 alleles (0.00012%); highest among the groups gnomAD compares: East Asian, 0.0022%; no homozygotes.

Submission:

Ambry Genetics
Classification: Uncertain significance for Familial thoracic aortic aneurysm and aortic dissection. Last evaluated: 2023-12-29. Review status: criteria provided, single submitter. Criteria: Ambry Variant Classification Scheme 2023. Collection method: clinical testing. Allele origin: germline.
Comment: The p.A1967V variant (also known as c.5900C>T), located in coding exon 31 of the NOTCH1 gene, results from a C to T substitution at nucleotide position 5900. The alanine at codon 1967 is replaced by valine, an amino acid with similar properties. This amino acid position is conserved. In addition, the in silico prediction for this alteration is inconclusive. Since supporting evidence is limited at this time, the clinical significance of this alteration remains unclear.

NM_017617.5(NOTCH1):c.5900C>T (p.Ala1967Val)

Gene: NOTCH1 (notch receptor 1; minus strand). Cytogenetic location: 9q34.3.
Variant type: single nucleotide variant.
Coding change: c.5900C>T on transcript NM_017617.5 (MANE Select); coding-DNA position 5900, C replaced by T.
Protein change: p.Ala1967Val; replaces alanine 1967 with valine.
Molecular consequence: missense variant.
Genome position (GRCh38, 1-based): chr9:136,500,586, G>A on the plus strand (C>T on the coding strand, the complement: NOTCH1 is on the minus strand). VCF-style: chr9-136500586-G-A. GRCh37 (hg19) VCF-style: chr9-139395038-G-A.
Other names: short protein forms A1967V.
Identifiers: ClinVar variation 3226981 (VCV003226981.1), dbSNP rs772463545, ClinGen allele CA5340109.